The following is an entry in ClinVar:

NM_007294.4(BRCA1):c.291A>T (p.Thr97=)

Gene: BRCA1 (BRCA1 DNA repair associated; minus strand). Cytogenetic location: 17q21.31.
Variant type: single nucleotide variant.
Coding change: c.291A>T on transcript NM_007294.4 (MANE Select); coding-DNA position 291, A replaced by T.
Protein change: p.Thr97=; no amino-acid change (threonine 97 retained).
Molecular consequence: synonymous variant. On other transcripts: 5 prime UTR variant (7), intron variant (2).
Genome position (GRCh38, 1-based): chr17:43,104,878, T>A on the plus strand (A>T on the coding strand, the complement: BRCA1 is on the minus strand). VCF-style: chr17-43104878-T-A. GRCh37 (hg19) VCF-style: chr17-41256895-T-A.
Other names: c.291A>T, p.Thr97= (NM_001407941.1, NM_001407968.1, NM_001407969.1 and 168 more transcripts); c.150A>T, p.Thr50= (NM_001407942.1, NM_001407943.1, NM_001407944.1 and 99 more transcripts); c.81A>T, p.Thr27= (NM_001407946.1, NM_001407947.1, NM_001407948.1 and 58 more transcripts); c.-91A>T (NM_001407959.1, NM_001407960.1, NM_001407962.1 and 4 more transcripts); c.213A>T, p.Thr71= (NM_001408409.1, NM_001408411.1, NM_001408412.1 and 21 more transcripts); c.159A>T, p.Thr53= (NM_001408451.1); c.-218-10018A>T (NM_001407967.1, NM_001407966.1).
Identifiers: ClinVar variation 865638 (VCV000865638.3), dbSNP rs1131692085, ClinGen allele CA500127461.

Conditions:
Breast-ovarian cancer, familial, susceptibility to, 1 (BROVCA1). Also called: BRCA1 Hereditary Breast and Ovarian Cancer; OVARIAN CANCER, SUSCEPTIBILITY TO. Identifiers: Orphanet 145, MedGen C2676676, MONDO:0011450, OMIM 604370. Disease mechanism: loss of function.

Submission:

Brotman Baty Institute, University of Washington
No classification provided (evidence only). Condition: Breast-ovarian cancer, familial 1. Review status: no classification provided. Collection method: in vitro. Allele origin: not applicable. Functional consequence: functionally_normal.
ClinVar note: "not provided" was previously submitted as the classification for the variant. However, the classification appeared to be based only on an observation of functional data so it was converted to no classification on 2025-07-30.